The following is an entry in ClinVar:

ClinVar aggregate classification (germline): Likely pathogenic (1 of 4 stars; one submission).

Submission:

Labcorp Genetics (formerly Invitae), Labcorp
Classification: Likely pathogenic. Last evaluated: 2023-11-12. Review status: criteria provided, single submitter. Criteria: Invitae Variant Classification Sherloc (09022015). Collection method: clinical testing. Allele origin: germline.
Comment: This sequence change affects a splice site in intron 21 of the ABCA4 gene. It is expected to disrupt RNA splicing. Variants that disrupt the donor or acceptor splice site typically lead to a loss of protein function (PMID: 16199547), and loss-of-function variants in ABCA4 are known to be pathogenic (PMID: 10958761, 24938718, 25312043, 26780318). This variant is not present in population databases (gnomAD no frequency). This variant has not been reported in the literature in individuals affected with ABCA4-related conditions. In summary, the currently available evidence indicates that the variant is pathogenic, but additional data are needed to prove that conclusively. Therefore, this variant has been classified as Likely Pathogenic.

Literature cited by the submitters: PubMed 16199547; PubMed 10958761; PubMed 24938718; PubMed 25312043; PubMed 26780318.

NM_000350.3(ABCA4):c.3190+2_3190+18del

Gene: ABCA4 (ATP binding cassette subfamily A member 4; minus strand). Cytogenetic location: 1p22.1.
Variant type: Deletion.
Coding change: c.3190+2_3190+18del on transcript NM_000350.3 (MANE Select); the canonical splice donor site of the intron after coding-DNA position 3190 through 18 bases into the intron after coding-DNA position 3190, 17 bases deleted (TGCTCAGAGCTGGATGG).
Molecular consequence: splice donor variant.
Genome position (GRCh38, 1-based): chr1:94,043,318-94,043,334, CCATCCAGCTCTGAGCA deleted on the plus strand (TGCTCAGAGCTGGATGG on the coding strand, the reverse complement: ABCA4 is on the minus strand); deleting any 17 consecutive bases within chr1:94,043,318-94,043,336 gives the same sequence; the c. name uses the placement nearest the transcript's 3' end. VCF-style (leftmost placement, unchanged base first): chr1-94043317-TCCATCCAGCTCTGAGCA-T. GRCh37 (hg19) VCF-style: chr1-94508873-TCCATCCAGCTCTGAGCA-T.
Identifiers: ClinVar variation 2695192 (VCV002695192.3), dbSNP rs2523773776, ClinGen allele CA2697552511.